The following is an entry in ClinVar:

NM_001204.7(BMPR2):c.1198G>A (p.Ala400Thr)

Gene: BMPR2 (bone morphogenetic protein receptor type 2; plus strand). Cytogenetic location: 2q33.2.
Variant type: single nucleotide variant.
Coding change: c.1198G>A on transcript NM_001204.7 (MANE Select); coding-DNA position 1198, G replaced by A.
Protein change: p.Ala400Thr; replaces alanine 400 with threonine.
Molecular consequence: missense variant.
Genome position (GRCh38, 1-based): chr2:202,532,654, G>A. VCF-style: chr2-202532654-G-A. GRCh37 (hg19) VCF-style: chr2-203397377-G-A.
Other names: short protein forms A400T.
Identifiers: ClinVar variation 3824951 (VCV003824951.1).

ClinVar aggregate classification (germline): Uncertain significance (1 of 4 stars; one submission).

Conditions:
Inborn genetic diseases. Identifiers: MedGen C0950123, MeSH D030342.

Submission:

Ambry Genetics
Classification: Uncertain significance for Inborn genetic diseases. Last evaluated: 2025-03-06. Review status: criteria provided, single submitter. Criteria: Ambry Variant Classification Scheme 2023. Collection method: clinical testing. Allele origin: germline.
Comment: The p.A400T variant (also known as c.1198G>A), located in coding exon 9 of the BMPR2 gene, results from a G to A substitution at nucleotide position 1198. The alanine at codon 400 is replaced by threonine, an amino acid with similar properties. This amino acid position is conserved. In addition, this alteration is predicted to be deleterious by in silico analysis. Based on the available evidence, the clinical significance of this variant remains unclear.